The following is an entry in ClinVar:

ClinVar aggregate classification (germline): Uncertain significance (1 of 4 stars; one submission).

Conditions:
Hereditary cancer-predisposing syndrome. Also called: Tumor predisposition; Hereditary Cancer Syndrome; Neoplastic Syndromes, Hereditary; Hereditary neoplastic syndrome. Identifiers: Orphanet 140162, MedGen C0027672, MeSH D009386, MONDO:0015356.

Allele frequency attached by ClinVar (database versions not stated): gnomAD exomes below 0.00001.
gnomAD v4.1: 1 of 1,614,010 alleles (0.000062%); highest among the groups gnomAD compares: Non-Finnish European, 0.000085%; no homozygotes.

Submission:

Ambry Genetics
Classification: Uncertain significance for Hereditary cancer-predisposing syndrome. Last evaluated: 2019-06-26. Review status: criteria provided, single submitter. Criteria: Ambry Variant Classification Scheme 2023. Collection method: clinical testing. Allele origin: germline.
Comment: The p.L343R variant (also known as c.1028T>G), located in coding exon 7 of the BRIP1 gene, results from a T to G substitution at nucleotide position 1028. The leucine at codon 343 is replaced by arginine, an amino acid with dissimilar properties. This amino acid position is well conserved in available vertebrate species. In addition, the in silico prediction for this alteration is inconclusive. Since supporting evidence is limited at this time, the clinical significance of this alteration remains unclear.

NM_032043.3(BRIP1):c.1028T>G (p.Leu343Arg)

Gene: BRIP1 (BRCA1 interacting DNA helicase 1; minus strand). Cytogenetic location: 17q23.2.
Variant type: single nucleotide variant.
Coding change: c.1028T>G on transcript NM_032043.3 (MANE Select); coding-DNA position 1028, T replaced by G.
Protein change: p.Leu343Arg; replaces leucine 343 with arginine.
Molecular consequence: missense variant.
Genome position (GRCh38, 1-based): chr17:61,801,365, A>C on the plus strand (T>G on the coding strand, the complement: BRIP1 is on the minus strand). VCF-style: chr17-61801365-A-C. GRCh37 (hg19) VCF-style: chr17-59878726-A-C.
Other names: short protein forms L343R.
Identifiers: ClinVar variation 822039 (VCV000822039.4), dbSNP rs1414803437, ClinGen allele CA400484080.